The following is an entry in ClinVar:

ClinVar aggregate classification (germline): Conflicting classifications of pathogenicity. Review status: criteria provided, conflicting classifications (1 of 4 stars). 4 submissions from 4 submitters: Uncertain significance (2); Benign (1); Likely benign (1). Last evaluated 2026-02-25.

Conditions:
RP1L1-related disorder. Also called: RP1L1-related condition.
Retinal dystrophy. Also called: Inherited retinal dystrophy. Identifiers: Orphanet 71862, MedGen C0854723, MeSH D058499, MONDO:0019118, HP:0000556.
Occult macular dystrophy (OCMD). Also called: OMD; OCCULT MACULAR DYSTROPHY, SUSCEPTIBILITY TO. Identifiers: Orphanet 247834, MedGen C3150833, MONDO:0013316, OMIM 613587, HP:0030636.

Allele frequency attached by ClinVar (database versions not stated): gnomAD 0.00057 and 0.00085; gnomAD exomes 0.00071 and 0.00201; TOPMed 0.00119; ExAC 0.00211; 1000 Genomes Project 30x 0.00562.

Submissions (4):

PreventionGenetics, part of Exact Sciences
Classification: Likely benign for RP1L1-related condition. Last evaluated: 2026-02-25. Review status: criteria provided, single submitter. Criteria: ACMG Guidelines, 2015. Collection method: clinical testing. Allele origin: germline.
Comment: This variant is classified as likely benign based on ACMG/AMP sequence variant interpretation guidelines (Richards et al. 2015 PMID: 25741868, with internal and published modifications).

Labcorp Genetics (formerly Invitae), Labcorp
Classification: Benign. Last evaluated: 2026-01-28. Review status: criteria provided, single submitter. Criteria: Invitae Variant Classification Sherloc (09022015). Collection method: clinical testing. Allele origin: germline.

Dept Of Ophthalmology, Nagoya University
Classification: Uncertain significance for Retinal dystrophy. Last evaluated: 2023-10-01. Review status: criteria provided, single submitter. Criteria: Submitter's publication. Collection method: research. Allele origin: germline. Affected: yes.

Soonchunhyang University Bucheon Hospital, Soonchunhyang University Medical Center
Classification: Uncertain significance for Occult macular dystrophy. Last evaluated: 2016-03-18. Review status: criteria provided, single submitter. Criteria: ACMG Guidelines, 2015. Collection method: reference population. Allele origin: germline. Observed: 2 variant alleles.

Literature cited by the submitters: PubMed 23281133 (cited by Soonchunhyang University Bucheon Hospital, Soonchunhyang University Medical Center).

NM_178857.6(RP1L1):c.324_325insT (p.Pro109fs)

Gene: RP1L1 (RP1 like 1). Cytogenetic location: 8p23.1.
Variant type: Insertion.
Coding change: c.324_325insT on transcript NM_178857.6 (MANE Select); coding-DNA positions 324 to 325, T inserted.
Protein change: p.Pro109fs; shifts the reading frame from proline 109.
Molecular consequence: frameshift variant.
Genome position: GRCh38 VCF-style: chr8-10622877-G-GA. GRCh37 (hg19) VCF-style: chr8-10480387-G-GA.
Other names: short protein forms P109fs.
Identifiers: ClinVar variation 225460 (VCV000225460.17), dbSNP rs138816053, ClinGen allele CA4625762.
Genomic context (GRCh38, chr8:10,622,877, plus strand): 5'-ACTGCTGAGCAGTGGGGTTTCTCTCCTGTGGCCGGCCTGGTCCACTGGGGGTCTTGGGGG[G>GA]CTTCTTATCAGAGCAGAGGTAGCAGCCTCCATCTTCCAGCTGCTCCAGGGCGCTGAGGCT-3'